The following is an entry in ClinVar:

ClinVar aggregate classification (germline): Conflicting classifications of pathogenicity. Review status: criteria provided, conflicting classifications (1 of 4 stars). 3 submissions from 3 submitters: Uncertain significance (2); Likely benign (1). Last evaluated 2026-05-01.

Conditions:
Inborn genetic diseases. Identifiers: MedGen C0950123, MeSH D030342.
Nemaline myopathy 2 (NEM2). Also called: Nemaline myopathy 2, autosomal recessive. Identifiers: MedGen C1850569, MONDO:0009725, OMIM 256030.

Allele frequency attached by ClinVar (database versions not stated): ExAC 0.00002; gnomAD 0.00003; ESP Exome Variant Server 0.00008; 1000 Genomes Project 30x 0.00016; 1000 Genomes Project 0.00020.
gnomAD v4.1: 10 of 1,613,284 alleles (0.00062%); highest among the groups gnomAD compares: Middle Eastern, 0.05%; no homozygotes.

Submissions (3):

CeGaT Center for Human Genetics Tuebingen
Classification: Uncertain significance. Last evaluated: 2026-05-01. Review status: criteria provided, single submitter. Criteria: CeGaT Center For Human Genetics Tuebingen Variant Classification Criteria Version 2. Collection method: clinical testing. Allele origin: germline. Affected: yes. Observed: 1 variant allele.
Comment: NEB: PM2

Labcorp Genetics (formerly Invitae), Labcorp
Classification: Likely benign for Nemaline myopathy 2. Last evaluated: 2025-12-29. Review status: criteria provided, single submitter. Criteria: Invitae Variant Classification Sherloc (09022015). Collection method: clinical testing. Allele origin: germline.

Ambry Genetics
Classification: Uncertain significance for Inborn genetic diseases. Last evaluated: 2023-11-06. Review status: criteria provided, single submitter. Criteria: Ambry Variant Classification Scheme 2023. Collection method: clinical testing. Allele origin: germline.

NM_001164508.2(NEB):c.17690C>A (p.Thr5897Asn)

Gene: NEB (nebulin; minus strand). Cytogenetic location: 2q23.3.
Variant type: single nucleotide variant.
Coding change: c.17690C>A on transcript NM_001164508.2 (MANE Select); coding-DNA position 17690, C replaced by A.
Protein change: p.Thr5897Asn; replaces threonine 5897 with asparagine.
Molecular consequence: missense variant.
Genome position (GRCh38, 1-based): chr2:151,568,362, G>T on the plus strand (C>A on the coding strand, the complement: NEB is on the minus strand). VCF-style: chr2-151568362-G-T. GRCh37 (hg19) VCF-style: chr2-152424876-G-T.
Other names: c.12587C>A (NM_004543.4); c.17690C>A, p.Thr5897Asn (NM_001164507.2, NM_001271208.2); c.12587C>A, p.Thr4196Asn (NM_004543.5); short protein forms T4196N, T5897N.
Identifiers: ClinVar variation 1949716 (VCV001949716.8), dbSNP rs368206682, ClinGen allele CA1908135.